The following is an entry in ClinVar:

ClinVar aggregate classification (germline): Pathogenic/Likely pathogenic. Review status: criteria provided, multiple submitters, no conflicts (2 of 4 stars). 9 submissions from 9 submitters: Pathogenic (7); Likely pathogenic (1). 1 of the submissions does not count toward it. Last evaluated 2025-12-10.

Conditions:
Autosomal dominant PAX6-related disorders.
PAX6-related disorder. Also called: PAX6-related disorders; PAX6-related condition.
Aniridia 1 (AN1). Identifiers: Orphanet 250923, MedGen C0344542, MONDO:0024507, OMIM 106210.
Irido-corneo-trabecular dysgenesis (ASGD5). Also called: ANTERIOR SEGMENT DYSGENESIS 5. Identifiers: Orphanet 708, MedGen C0344559, MONDO:0011414, OMIM 604229, HP:0000659.
Foveal hypoplasia 1. Also called: FOVEAL HYPOPLASIA 1 WITH OR WITHOUT ANTERIOR SEGMENT ANOMALIES AND/OR CATARACT; FOVEAL HYPOPLASIA 1 WITH ANTERIOR SEGMENT ANOMALIES. Identifiers: Orphanet 2253, MedGen C3805604, MONDO:0007628, OMIM 136520.

Allele frequency attached by ClinVar (database versions not stated): gnomAD exomes below 0.00001; ExAC 0.00001.
gnomAD v4.1: 1 of 1,614,072 alleles (0.000062%); highest among the groups gnomAD compares: Non-Finnish European, 0.000085%; no homozygotes.

Submissions (9):

Variantyx, Inc.
Classification: Pathogenic for Autosomal dominant PAX6-related disorders. Last evaluated: 2025-12-10. Review status: criteria provided, single submitter. Criteria: Variantyx Assertion Criteria 2022. Collection method: clinical testing. Allele origin: de novo. Inheritance: Autosomal dominant inheritance. Affected: yes.
Comment: This is a nonsynonymous variant in the PAX6 gene (OMIM: 607108). Pathogenic variants in this gene have been associated with autosomal dominant PAX6-related disorders. This variant has been reported in many unrelated affected individuals (PMID: 8364574, 22361317, 34415986, 29930474, 38721508) (PS4_Very_Strong) and it has been observed to segregate with disease in multiple individuals from 5 families (PMID: 8364574, 34415986, 29930474, 38721508) (PP1). Multiple computational algorithms predict a deleterious effect for this variant (REVEL score: 0.877) (PP3). The maximum allele frequency in non-founder control populations of this variant is 0.0001% (PM2). Based on the current evidence, this variant is classified as pathogenic for autosomal dominant PAX6-related disorders.

GeneDx
Classification: Pathogenic. Last evaluated: 2025-11-18. Review status: criteria provided, single submitter. Criteria: GeneDx Variant Classification Process June 2021. Collection method: clinical testing. Allele origin: germline. Affected: yes.
Comment: Not observed at significant frequency in large population cohorts (gnomAD); In silico analysis supports that this missense variant has a deleterious effect on protein structure/function; This variant is associated with the following publications: (PMID: 9147640, 12015275, 38721508, 7550230, 8364574, 9482572, 10234503, 22361317, 10737978, 34415986, 29450879, 32360764, 34344282, 35170016, 39212610, 36816037, 35026469, 29930474)

CeGaT Center for Human Genetics Tuebingen
Classification: Pathogenic. Last evaluated: 2025-11-01. Review status: criteria provided, single submitter. Criteria: CeGaT Center For Human Genetics Tuebingen Variant Classification Criteria Version 2. Collection method: clinical testing. Allele origin: germline. Affected: yes. Observed: 1 variant allele.
Comment: PAX6: PP1:Strong, PS2, PS4:Moderate, PP3

Labcorp Genetics (formerly Invitae), Labcorp
Classification: Pathogenic for Aniridia 1; Irido-corneo-trabecular dysgenesis. Last evaluated: 2024-09-23. Review status: criteria provided, single submitter. Criteria: Invitae Variant Classification Sherloc (09022015). Collection method: clinical testing. Allele origin: germline.
Comment: This sequence change replaces arginine, which is basic and polar, with tryptophan, which is neutral and slightly polar, at codon 208 of the PAX6 protein (p.Arg208Trp). This variant is present in population databases (rs757259413, gnomAD 0.0009%). This missense change has been observed in individuals with aniridia or congenital cataracts (PMID: 8364574, 22361317). It has also been observed to segregate with disease in related individuals. ClinVar contains an entry for this variant (Variation ID: 372441). Invitae Evidence Modeling of protein sequence and biophysical properties (such as structural, functional, and spatial information, amino acid conservation, physicochemical variation, residue mobility, and thermodynamic stability) indicates that this missense variant is expected to disrupt PAX6 protein function with a positive predictive value of 80%. This variant disrupts the p.Arg208 amino acid residue in PAX6. Other variant(s) that disrupt this residue have been observed in individuals with PAX6-related conditions (PMID: 10234503), which suggests that this may be a clinically significant amino acid residue. For these reasons, this variant has been classified as Pathogenic.

PreventionGenetics, part of Exact Sciences
Classification: Pathogenic for PAX6-related condition. Last evaluated: 2023-06-01. Review status: criteria provided, single submitter. Criteria: ACMG Guidelines, 2015. Collection method: clinical testing. Allele origin: germline.
Comment: The PAX6 c.664C>T variant is predicted to result in the amino acid substitution p.Arg222Trp. This variant can also be designated c.622C>T (p.Arg208Trp) in transcript NM_001258464.1. This variant has been reported multiple times in individuals with PAX6-related disease, and in some cases was confirmed de novo (reported as c.622C>T p.Arg208Trp in Patel et al. 2018. PubMed ID: 29450879; Cross et al. 2020. PubMed ID: 32360764; Chesneau et al. 2022. PubMed ID: 35170016). This variant is reported in 0.00088% of alleles in individuals of European (Non-Finnish) descent in gnomAD. This variant has been classified as pathogenic by multiple independent submitters to the ClinVar database. Given all the evidence, we interpret c.664C>T (p.Arg222Trp) as pathogenic.

Institute of Medical Genetics and Applied Genomics, University Hospital Tübingen
Classification: Pathogenic for Foveal hypoplasia 1; Irido-corneo-trabecular dysgenesis. Last evaluated: 2022-12-01. Review status: criteria provided, single submitter. Criteria: ACMG Guidelines, 2015. Collection method: clinical testing. Allele origin: germline. Inheritance: Autosomal dominant inheritance. Affected: yes.

Institute of Human Genetics Munich, TUM University Hospital
Classification: Pathogenic for Aniridia 1. Last evaluated: 2020-07-21. Review status: criteria provided, single submitter. Criteria: Classification criteria August 2017. Collection method: clinical testing. Allele origin: germline. Inheritance: Autosomal dominant inheritance. Affected: yes. Observed: 1 heterozygote.

Eurofins Ntd Llc (ga)
Classification: Likely pathogenic. Last evaluated: 2017-05-08. Review status: criteria provided, single submitter. Criteria: EGL Classification Definitions 2015. Collection method: clinical testing. Allele origin: germline. Observed: 1 variant allele, 1 heterozygote.

Wessex Regional Genetics Laboratory, Salisbury District Hospital
Classification: Likely pathogenic for Aniridia 1. Last evaluated: 2019-08-15. Review status: no assertion criteria provided. Criteria: ACMG Guidelines, 2015. Collection method: clinical testing. Allele origin: inherited. Inheritance: Autosomal dominant inheritance. Affected: yes. Not counted in ClinVar's aggregate classification.

Literature cited by the submitters: PubMed 8364574 (cited by 3 submitters); PubMed 22361317 (cited by 3 submitters); PubMed 34415986 (cited by Variantyx, Inc.); PubMed 29930474 (cited by Variantyx, Inc.); PubMed 38721508 (cited by Variantyx, Inc.); PubMed 29450879 (cited by Variantyx, Inc.); PubMed 10234503 (cited by Labcorp Genetics (formerly Invitae), Labcorp).

NM_001368894.2(PAX6):c.664C>T (p.Arg222Trp)

Genes: ELP4 (elongator acetyltransferase complex subunit 4; plus strand), PAX6 (paired box 6; minus strand). Cytogenetic location: 11p13.
Variant type: single nucleotide variant.
Coding change: c.664C>T on transcript NM_001368894.2 (MANE Select); coding-DNA position 664, C replaced by T.
Protein change: p.Arg222Trp; replaces arginine 222 with tryptophan.
Molecular consequence: missense variant. On other transcripts: non-coding transcript variant (2).
Genome position (GRCh38, 1-based): chr11:31,794,690, G>A on the plus strand (C>T on the coding strand, the complement: PAX6 is on the minus strand). VCF-style: chr11-31794690-G-A. GRCh37 (hg19) VCF-style: chr11-31816238-G-A.
Other names: c.622C>T, p.Arg208Trp (NM_000280.6, NM_001127612.3, NM_001258464.2 and 10 more transcripts); c.664C>T, p.Arg222Trp (NM_001258462.3, NM_001258463.2, NM_001310158.2 and 6 more transcripts); c.214C>T, p.Arg72Trp (NM_001310160.2, NM_001310161.3, NM_001368899.2 and 11 more transcripts); c.865C>T, p.Arg289Trp (NM_001368910.2); c.667C>T, p.Arg223Trp (NM_001368911.2); c.739C>T, p.Arg247Trp (NM_001368918.2, NM_001368919.2); c.697C>T, p.Arg233Trp (NM_001368920.2); c.463C>T, p.Arg155Trp (NM_001368921.2, NM_001368922.2, NM_001368923.2 and 4 more transcripts); and 3 more; short protein forms R208W, R247W, R223W, R141W, R222W, R72W, R7W, R155W.
Identifiers: ClinVar variation 372441 (VCV000372441.30), dbSNP rs757259413, ClinGen allele CA5933833.